The following is an entry in ClinVar:

ClinVar aggregate classification (germline): Uncertain significance. Review status: criteria provided, multiple submitters, no conflicts (2 of 4 stars). 5 submissions from 5 submitters: Uncertain significance (4). 1 of the submissions does not count toward it. Last evaluated 2025-02-26.

Conditions:
MEN1-related disorder. Also called: MEN1-related condition.
Hereditary cancer-predisposing syndrome. Also called: Tumor predisposition; Hereditary Cancer Syndrome; Neoplastic Syndromes, Hereditary; Hereditary neoplastic syndrome. Identifiers: Orphanet 140162, MedGen C0027672, MeSH D009386, MONDO:0015356.
Multiple endocrine neoplasia, type 1 (MEN1). Also called: Endocrine adenomatosis multiple; MEN 1; MEN I; WERMER SYNDROME; MEA I. Identifiers: Orphanet 652, MedGen C0025267, MeSH D018761, MONDO:0007540, OMIM 131100.

Allele frequency attached by ClinVar (database versions not stated): gnomAD exomes below 0.00001.

Submissions (5):

Labcorp Genetics (formerly Invitae), Labcorp
Classification: Uncertain significance for Multiple endocrine neoplasia, type 1. Last evaluated: 2025-02-26. Review status: criteria provided, single submitter. Criteria: Invitae Variant Classification Sherloc (09022015). Collection method: clinical testing. Allele origin: germline.
Comment: This sequence change replaces valine, which is neutral and non-polar, with isoleucine, which is neutral and non-polar, at codon 121 of the MEN1 protein (p.Val121Ile). This variant is present in population databases (no rsID available, gnomAD 0.0009%). This variant has not been reported in the literature in individuals affected with MEN1-related conditions. ClinVar contains an entry for this variant (Variation ID: 216817). Invitae Evidence Modeling of protein sequence and biophysical properties (such as structural, functional, and spatial information, amino acid conservation, physicochemical variation, residue mobility, and thermodynamic stability) has been performed for this missense variant. However, the output from this modeling did not meet the statistical confidence thresholds required to predict the impact of this variant on MEN1 protein function. In summary, the available evidence is currently insufficient to determine the role of this variant in disease. Therefore, it has been classified as a Variant of Uncertain Significance.

GeneDx
Classification: Uncertain significance. Last evaluated: 2024-03-08. Review status: criteria provided, single submitter. Criteria: GeneDx Variant Classification Process June 2021. Collection method: clinical testing. Allele origin: germline. Affected: yes.
Comment: Not observed at significant frequency in large population cohorts (gnomAD); In silico analysis supports that this missense variant does not alter protein structure/function; Has not been previously published as pathogenic or benign to our knowledge

Baylor Genetics
Classification: Uncertain significance for Multiple Endocrine Neoplasia Type 1. Last evaluated: 2023-12-26. Review status: criteria provided, single submitter. Criteria: ACMG Guidelines, 2015. Collection method: clinical testing. Allele origin: unknown.

Ambry Genetics
Classification: Uncertain significance for Hereditary cancer-predisposing syndrome. Last evaluated: 2022-08-19. Review status: criteria provided, single submitter. Criteria: Ambry Variant Classification Scheme 2023. Collection method: clinical testing. Allele origin: germline.
Comment: The p.V121I variant (also known as c.361G>A), located in coding exon 1 of the MEN1 gene, results from a G to A substitution at nucleotide position 361. The valine at codon 121 is replaced by isoleucine, an amino acid with highly similar properties. This amino acid position is highly conserved in available vertebrate species. In addition, the in silico prediction for this alteration is inconclusive. Since supporting evidence is limited at this time, the clinical significance of this alteration remains unclear.

PreventionGenetics, part of Exact Sciences
Classification: Uncertain significance for MEN1-related condition. Last evaluated: 2024-06-21. Review status: no assertion criteria provided. Collection method: clinical testing. Allele origin: germline. Not counted in ClinVar's aggregate classification.
Comment: The MEN1 c.361G>A variant is predicted to result in the amino acid substitution p.Val121Ile. To our knowledge, this variant has not been reported in the literature. This variant is reported in 0.00088% of alleles in individuals of European (Non-Finnish) descent in gnomAD and is interpreted as uncertain significance in ClinVar. At this time, the clinical significance of this variant is uncertain due to the absence of conclusive functional and genetic evidence.

NM_001370259.2(MEN1):c.361G>A (p.Val121Ile)

Gene: MEN1 (menin 1; minus strand). Cytogenetic location: 11q13.1.
Variant type: single nucleotide variant.
Coding change: c.361G>A on transcript NM_001370259.2 (MANE Select); coding-DNA position 361, G replaced by A.
Protein change: p.Val121Ile; replaces valine 121 with isoleucine.
Molecular consequence: missense variant.
Genome position (GRCh38, 1-based): chr11:64,809,749, C>T on the plus strand (G>A on the coding strand, the complement: MEN1 is on the minus strand). VCF-style: chr11-64809749-C-T. GRCh37 (hg19) VCF-style: chr11-64577221-C-T.
Other names: c.361G>A, p.Val121Ile (NM_130800.3, NM_130801.3, NM_130802.3 and 9 more transcripts); c.361G>A (NM_000244.3); short protein forms V121I.
Identifiers: ClinVar variation 216817 (VCV000216817.14), dbSNP rs863224812, ClinGen allele CA338424.